The following is an entry in ClinVar:

ClinVar aggregate classification (germline): Uncertain significance. Review status: criteria provided, multiple submitters, no conflicts (2 of 4 stars). 2 submissions from 2 submitters: Uncertain significance (2). Last evaluated 2025-04-19.

Conditions:
Cowden syndrome 6 (CWS6). Identifiers: Orphanet 201, MedGen C3554519, MONDO:0014048, OMIM 615109.
Inborn genetic diseases. Identifiers: MedGen C0950123, MeSH D030342.

Allele frequency attached by ClinVar (database versions not stated): gnomAD exomes below 0.00001.
gnomAD v4.1: 1 of 1,614,070 alleles (0.000062%); highest among the groups gnomAD compares: Non-Finnish European, 0.000085%; no homozygotes.

Submissions (2):

Ambry Genetics
Classification: Uncertain significance for Inborn genetic diseases. Last evaluated: 2025-04-19. Review status: criteria provided, single submitter. Criteria: Ambry Variant Classification Scheme 2023. Collection method: clinical testing. Allele origin: germline.
Comment: The p.F120L variant (also known as c.360C>A), located in coding exon 4 of the AKT1 gene, results from a C to A substitution at nucleotide position 360. The phenylalanine at codon 120 is replaced by leucine, an amino acid with highly similar properties. This amino acid position is conserved. In addition, this alteration is predicted to be tolerated by in silico analysis. Based on the available evidence, the clinical significance of this variant remains unclear.

Labcorp Genetics (formerly Invitae), Labcorp
Classification: Uncertain significance for Cowden syndrome 6. Last evaluated: 2022-06-30. Review status: criteria provided, single submitter. Criteria: Invitae Variant Classification Sherloc (09022015). Collection method: clinical testing. Allele origin: germline.
Comment: In summary, the available evidence is currently insufficient to determine the role of this variant in disease. Therefore, it has been classified as a Variant of Uncertain Significance. Algorithms developed to predict the effect of missense changes on protein structure and function (SIFT, PolyPhen-2, Align-GVGD) all suggest that this variant is likely to be tolerated. This variant has not been reported in the literature in individuals affected with AKT1-related conditions. This variant is not present in population databases (gnomAD no frequency). This sequence change replaces phenylalanine, which is neutral and non-polar, with leucine, which is neutral and non-polar, at codon 120 of the AKT1 protein (p.Phe120Leu).

NM_001382430.1(AKT1):c.360C>A (p.Phe120Leu)

Gene: AKT1 (AKT serine/threonine kinase 1; minus strand). Cytogenetic location: 14q32.33.
Variant type: single nucleotide variant.
Coding change: c.360C>A on transcript NM_001382430.1 (MANE Select); coding-DNA position 360, C replaced by A.
Protein change: p.Phe120Leu; replaces phenylalanine 120 with leucine.
Molecular consequence: missense variant.
Genome position (GRCh38, 1-based): chr14:104,775,727, G>T on the plus strand (C>A on the coding strand, the complement: AKT1 is on the minus strand). VCF-style: chr14-104775727-G-T. GRCh37 (hg19) VCF-style: chr14-105242064-G-T.
Other names: c.360C>A, p.Phe120Leu (NM_001014431.2, NM_001014432.2, NM_001382431.1 and 3 more transcripts); short protein forms F120L.
Identifiers: ClinVar variation 2145212 (VCV002145212.5), dbSNP rs2140922368, ClinGen allele CA391220200.
Genomic context (GRCh38, chr14:104,775,727, plus strand): 5'-CTTGGCCAGGGACACCTCCATCTCTTCAGCCCCTGAGTTGTCACTGGGTGAGCCCGACCG[G>T]AAGTCCATCTCCTCCTCCTCCTGCTTCTTGAGGCCGTCAGCCACAGTCTGGATGGCGGTT-3'
Protein context (NP_001369359.1, residues 110-130): LKKQEEEEMD[Phe120Leu]RSGSPSDNSG